The following is an entry in ClinVar:

ClinVar aggregate classification (germline): Pathogenic. Review status: criteria provided, multiple submitters, no conflicts (2 of 4 stars). 5 submissions from 5 submitters: Pathogenic (5). Last evaluated 2024-04-09.

Conditions:
Metachromatic leukodystrophy (MLD). Also called: ARSA DEFICIENCY; CEREBROSIDE SULFATASE DEFICIENCY; Arylsulfatase A Deficiency; METACHROMATIC LEUKOENCEPHALOPATHY; SULFATIDE LIPIDOSIS; Cerebral sclerosis diffuse metachromatic form. Identifiers: Orphanet 512, MedGen C0023522, MONDO:0018868, OMIM 250100.

Submissions (5):

Fulgent Genetics
Classification: Pathogenic for Metachromatic leukodystrophy. Last evaluated: 2024-04-09. Review status: criteria provided, single submitter. Criteria: ACMG Guidelines, 2015. Collection method: clinical testing. Allele origin: germline.

Labcorp Genetics (formerly Invitae), Labcorp
Classification: Pathogenic for Metachromatic leukodystrophy. Last evaluated: 2023-12-09. Review status: criteria provided, single submitter. Criteria: Invitae Variant Classification Sherloc (09022015). Collection method: clinical testing. Allele origin: germline.
Comment: This sequence change creates a premature translational stop signal (p.Gln238*) in the ARSA gene. It is expected to result in an absent or disrupted protein product. Loss-of-function variants in ARSA are known to be pathogenic (PMID: 8962139, 10477432). This variant is not present in population databases (gnomAD no frequency). This premature translational stop signal has been observed in individual(s) with metachromatic leukodystrophy (PMID: 33185815). ClinVar contains an entry for this variant (Variation ID: 800498). Algorithms developed to predict the effect of sequence changes on RNA splicing suggest that this variant may disrupt the consensus splice site. For these reasons, this variant has been classified as Pathogenic.

3billion
Classification: Pathogenic for Metachromatic leukodystrophy. Last evaluated: 2023-07-07. Review status: criteria provided, single submitter. Criteria: ACMG Guidelines, 2015. Collection method: clinical testing. Allele origin: germline. Affected: yes.
Comment: The variant is not observed in the gnomAD v2.1.1 dataset. Predicted Consequence/Location: Stop-gained (nonsense): predicted to result in a loss or disruption of normal protein function through nonsense-mediated decay (NMD) or protein truncation. Multiple pathogenic variants are reported downstream of the variant. The variant has been reported at least twice as pathogenic with clinical assertions and evidence for the classification (ClinVar ID: VCV000800498 /PMID: 33185815). Therefore, this variant is classified as Pathogenic according to the recommendation of ACMG/AMP guideline.

Medical Molecular Genetics Department, National Research Center
Classification: Pathogenic for Metachromatic leukodystrophy. Review status: criteria provided, single submitter. Criteria: ACMG Guidelines, 2015. Collection method: clinical testing. Allele origin: inherited. Affected: yes.

Neuberg Centre For Genomic Medicine, NCGM
Classification: Pathogenic for Metachromatic leukodystrophy. Review status: criteria provided, single submitter. Criteria: ACMG Guidelines, 2015. Collection method: clinical testing. Allele origin: germline. Inheritance: Autosomal recessive inheritance. Affected: yes.
Comment: The stop gained c.712C>Tp.Gln238Ter variant in ARSA gene has been reported in homozygous state in multiple individuals affected with Metachromatic leukodystrophy Amr et al., 2021. The c.712C>T variant is absent in gnomAD Exomes database. This variant has been reported to the ClinVar database as Pathogenic. Computational evidence MutationTaster - Diesease causing predict damaging effect on protein structure and function for this variant. The nucleotide change c.712C>T in ARSA is predicted as conserved by GERP++. This variant is predicted to cause loss of normal protein function through protein truncation. Loss-of-function variants in ARSA are known to be pathogenic Gort et. al., 1999. For these reasons, this variant has been classified as Pathogenic.

Literature cited by the submitters: PubMed 8962139 (cited by Labcorp Genetics (formerly Invitae), Labcorp); PubMed 10477432 (cited by Labcorp Genetics (formerly Invitae), Labcorp); PubMed 33185815 (cited by Labcorp Genetics (formerly Invitae), Labcorp and 3billion).

NM_000487.6(ARSA):c.712C>T (p.Gln238Ter)

Gene: ARSA (arylsulfatase A; minus strand). Cytogenetic location: 22q13.33.
Variant type: single nucleotide variant.
Coding change: c.712C>T on transcript NM_000487.6 (MANE Select); coding-DNA position 712, C replaced by T.
Protein change: p.Gln238Ter; replaces glutamine 238 with a stop codon.
Molecular consequence: nonsense.
Genome position (GRCh38, 1-based): chr22:50,626,733, G>A on the plus strand (C>T on the coding strand, the complement: ARSA is on the minus strand). VCF-style: chr22-50626733-G-A. GRCh37 (hg19) VCF-style: chr22-51065161-G-A.
Other names: c.712C>T, p.Gln238Ter (NM_001085425.3, NM_001085426.3, NM_001085427.3); c.454C>T, p.Gln152Ter (NM_001085428.3, NM_001362782.2); short protein forms Q152*, Q238*.
Identifiers: ClinVar variation 800498 (VCV000800498.9), dbSNP rs751026400, ClinGen allele CA412176628.